The following is an entry in ClinVar:

ClinVar aggregate classification (germline): Uncertain significance (1 of 4 stars; one submission).

Allele frequency attached by ClinVar (database versions not stated): ExAC 0.00001; gnomAD 0.00001; TOPMed 0.00001.
gnomAD v4.1: 3 of 1,614,034 alleles (0.00019%); highest among the groups gnomAD compares: Admixed American, 0.005%; no homozygotes.

Submission:

Labcorp Genetics (formerly Invitae), Labcorp
Classification: Uncertain significance. Last evaluated: 2024-07-01. Review status: criteria provided, single submitter. Criteria: Invitae Variant Classification Sherloc (09022015). Collection method: clinical testing. Allele origin: germline.
Comment: This sequence change replaces valine, which is neutral and non-polar, with leucine, which is neutral and non-polar, at codon 1185 of the MCM3AP protein (p.Val1185Leu). This variant is present in population databases (rs753053640, gnomAD 0.006%). This variant has not been reported in the literature in individuals affected with MCM3AP-related conditions. ClinVar contains an entry for this variant (Variation ID: 1958699). An algorithm developed to predict the effect of missense changes on protein structure and function (PolyPhen-2) suggests that this variant is likely to be disruptive. In summary, the available evidence is currently insufficient to determine the role of this variant in disease. Therefore, it has been classified as a Variant of Uncertain Significance.

NM_003906.5(MCM3AP):c.3553G>C (p.Val1185Leu)

Gene: MCM3AP (minichromosome maintenance complex component 3 associated protein; minus strand). Cytogenetic location: 21q22.3.
Variant type: single nucleotide variant.
Coding change: c.3553G>C on transcript NM_003906.5 (MANE Select); coding-DNA position 3553, G replaced by C.
Protein change: p.Val1185Leu; replaces valine 1185 with leucine.
Molecular consequence: missense variant.
Genome position (GRCh38, 1-based): chr21:46,260,821, C>G on the plus strand (G>C on the coding strand, the complement: MCM3AP is on the minus strand). VCF-style: chr21-46260821-C-G. GRCh37 (hg19) VCF-style: chr21-47680735-C-G.
Other names: short protein forms V1185L.
Identifiers: ClinVar variation 1958699 (VCV001958699.5), dbSNP rs753053640, ClinGen allele CA10076464.
Genomic context (GRCh38, chr21:46,260,821, plus strand): 5'-CTGGCACAGCAAGACACCAGCGTTTCACTTACTTCAACTCCTGGGAGCAGGTTTCCCTCA[C>G]AAACTCCATCATCACGCGTTCCATCAGCTCCACGGCCAGGCCCTGGCTCAGCTCACTTAA-3'
Protein context (NP_003897.2, residues 1175-1195): ELMERVMMEF[Val1185Leu]RETCSQELKN